The following is an entry in ClinVar:

ClinVar aggregate classification (germline): Uncertain significance (1 of 4 stars; one submission).

Submission:

Labcorp Genetics (formerly Invitae), Labcorp
Classification: Uncertain significance. Last evaluated: 2021-06-27. Review status: criteria provided, single submitter. Criteria: Invitae Variant Classification Sherloc (09022015). Collection method: clinical testing. Allele origin: germline.
Comment: Advanced modeling of protein sequence and biophysical properties (such as structural, functional, and spatial information, amino acid conservation, physicochemical variation, residue mobility, and thermodynamic stability) performed at Invitae indicates that this missense variant is not expected to disrupt CPLANE1 protein function. In summary, the available evidence is currently insufficient to determine the role of this variant in disease. Therefore, it has been classified as a Variant of Uncertain Significance. This variant has not been reported in the literature in individuals affected with CPLANE1-related conditions. The frequency data for this variant in the population databases is considered unreliable, as metrics indicate insufficient coverage at this position in the ExAC database. This sequence change replaces glutamine with arginine at codon 759 of the CPLANE1 protein (p.Gln759Arg). The glutamine residue is weakly conserved and there is a small physicochemical difference between glutamine and arginine.

NM_001384732.1(CPLANE1):c.2276A>G (p.Gln759Arg)

Gene: CPLANE1 (ciliogenesis and planar polarity effector complex subunit 1; minus strand). Cytogenetic location: 5p13.2.
Variant type: single nucleotide variant.
Coding change: c.2276A>G on transcript NM_001384732.1 (MANE Select); coding-DNA position 2276, A replaced by G.
Protein change: p.Gln759Arg; replaces glutamine 759 with arginine.
Molecular consequence: missense variant.
Genome position (GRCh38, 1-based): chr5:37,226,319, T>C on the plus strand (A>G on the coding strand, the complement: CPLANE1 is on the minus strand). VCF-style: chr5-37226319-T-C. GRCh37 (hg19) VCF-style: chr5-37226421-T-C.
Other names: c.2276A>G, p.Gln759Arg (NM_023073.4); short protein forms Q759R.
Identifiers: ClinVar variation 1471627 (VCV001471627.7), dbSNP rs2150430801, ClinGen allele CA359494577.